The following is an entry in ClinVar:

NM_130466.4(UBE3B):c.718G>A (p.Val240Met)

Gene: UBE3B (ubiquitin protein ligase E3B; plus strand). Cytogenetic location: 12q24.11.
Variant type: single nucleotide variant.
Coding change: c.718G>A on transcript NM_130466.4 (MANE Select); coding-DNA position 718, G replaced by A.
Protein change: p.Val240Met; replaces valine 240 with methionine.
Molecular consequence: missense variant.
Genome position (GRCh38, 1-based): chr12:109,497,822, G>A. VCF-style: chr12-109497822-G-A. GRCh37 (hg19) VCF-style: chr12-109935627-G-A.
Other names: c.718G>A, p.Val240Met (NM_183415.3); short protein forms V240M.
Identifiers: ClinVar variation 4634037 (VCV004634037.1).
Genomic context (GRCh38, chr12:109,497,822, plus strand): 5'-TTTGTTCTGGATGCACACGGAGACCTGTCTGAATGAGTGGATCTATCTGTGTCTAGCCCT[G>A]TGATTGCTGCACAGTTCTCAGACAATCTGATTCGGCCGTTCCTCATCCACATCATGTCTG-3'
Protein context (NP_569733.2, residues 230-250): TAAFSLALRP[Val240Met]IAAQFSDNLI

ClinVar aggregate classification (germline): Uncertain significance (1 of 4 stars; one submission).

Conditions:
Inborn genetic diseases. Identifiers: MedGen C0950123, MeSH D030342.

gnomAD v4.1: 10 of 1,614,016 alleles (0.00062%); highest among the groups gnomAD compares: African/African-American, 0.012%; no homozygotes.

Submission:

Ambry Genetics
Classification: Uncertain significance for Inborn genetic diseases. Last evaluated: 2025-11-08. Review status: criteria provided, single submitter. Criteria: Ambry Variant Classification Scheme 2023. Collection method: clinical testing. Allele origin: germline.
Comment: The c.718G>A (p.V240M) alteration is located in exon 10 (coding exon 8) of the UBE3B gene. This alteration results from a G to A substitution at nucleotide position 718, causing the valine (V) at amino acid position 240 to be replaced by a methionine (M). Based on data from gnomAD, the A allele has an overall frequency of 0.001% (4/282760) total alleles studied. The highest observed frequency was 0.012% (3/24964) of African alleles. Based on insufficient or conflicting evidence, the clinical significance of this alteration remains unclear.